The following is an entry in ClinVar:

NM_000352.6(ABCC8):c.4146T>G (p.Ser1382Arg)

Gene: ABCC8 (ATP binding cassette subfamily C member 8; minus strand). Cytogenetic location: 11p15.1.
Variant type: single nucleotide variant.
Coding change: c.4146T>G on transcript NM_000352.6 (MANE Select); coding-DNA position 4146, T replaced by G.
Protein change: p.Ser1382Arg; replaces serine 1382 with arginine.
Molecular consequence: missense variant. On other transcripts: non-coding transcript variant (1).
Genome position (GRCh38, 1-based): chr11:17,395,904, A>C on the plus strand (T>G on the coding strand, the complement: ABCC8 is on the minus strand). VCF-style: chr11-17395904-A-C. GRCh37 (hg19) VCF-style: chr11-17417451-A-C.
Other names: c.4149T>G, p.Ser1383Arg (NM_001287174.3); c.4212T>G, p.Ser1404Arg (NM_001351295.2); c.4146T>G, p.Ser1382Arg (NM_001351296.2); c.4143T>G, p.Ser1381Arg (NM_001351297.2); short protein forms S1382R, S1383R, S1381R, S1404R.
Identifiers: ClinVar variation 265990 (VCV000265990.3), dbSNP rs886039877, ClinGen allele CA10588932.

ClinVar aggregate classification (germline): Likely pathogenic. Review status: criteria provided, single submitter (1 of 4 stars). 2 submissions from 2 submitters: Likely pathogenic (1). 1 of the submissions does not count toward it. Last evaluated 2025-04-24.

Conditions:
Hyperinsulinemic hypoglycemia, familial, 1 (HHF1). Also called: Persistent hyperinsulinemic hypoglycemia of infancy; HYPERINSULINISM, FAMILIAL, WITH PANCREATIC NESIDIOBLASTOSIS; HYPOGLYCEMIA, HYPERINSULINEMIC, OF INFANCY; NESIDIOBLASTOSIS OF PANCREAS; Persistent Hyperinsulinemia Hypoglycemia of Infancy. Identifiers: Orphanet 276575, Orphanet 276598, MedGen C2931832, MONDO:0009734, OMIM 256450.
Hereditary hyperinsulinism.

Submissions (2):

Natera, Inc.
Classification: Likely pathogenic for Hereditary hyperinsulinism. Last evaluated: 2025-04-24. Review status: criteria provided, single submitter. Criteria: Natera Variant Classification Schema (03/2026). Collection method: clinical testing. Allele origin: germline.
Comment: The c.4146T>G variant in ABCC8 is a missense variant predicted to cause substitution of serine to arginine at amino acid 1382. This variant is rare in the general population with a frequency below the threshold expected for the associated phenotype(s). This variant has been observed in one or more individuals affected with the associated recessive disease, as either homozygous or compound heterozygous with a second variant (PMID: 33193079). This variant has been confirmed as or assumed to be a de novo occurrence in one or more affected individuals (PMID: 33193079). Computational prediction algorithms indicate this variant is likely to affect gene or protein function. Given the available evidence, this variant is classified as Likely Pathogenic.

Bioscientia Institut fuer Medizinische Diagnostik GmbH, Sonic Healthcare
Classification: Likely pathogenic for Hyperinsulinemic hypoglycemia, familial, 1. Review status: no assertion criteria provided. Collection method: clinical testing. Allele origin: germline. Affected: yes. Not counted in ClinVar's aggregate classification.

Literature cited by the submitters: PubMed 33193079 (cited by Natera, Inc.).